The following is an entry in ClinVar:

ClinVar aggregate classification (germline): Pathogenic. Review status: criteria provided, multiple submitters, no conflicts (2 of 4 stars). 3 submissions from 3 submitters: Pathogenic (3). Last evaluated 2024-03-13.

Conditions:
Inborn genetic diseases. Identifiers: MedGen C0950123, MeSH D030342.
Intellectual developmental disorder with autism and macrocephaly. Also called: Autism, susceptibility to, 18; CHD8-Related Neurodevelopmental Disorder with Overgrowth. Identifiers: Orphanet 642675, MedGen C3554373, MONDO:0014017, OMIM 615032.

gnomAD v4.1: 1 of 1,576,176 alleles (0.000063%); no homozygotes.

Submissions (3):

Genetics Laboratory, UDIAT-Centre Diagnòstic, Hospital Universitari Parc Tauli
Classification: Pathogenic for intellectual developmental disorder with autism and macrocephaly. Last evaluated: 2024-03-13. Review status: criteria provided, single submitter. Criteria: ACMG Guidelines, 2015. Collection method: clinical testing. Allele origin: unknown. Inheritance: Autosomal dominant inheritance. Affected: yes.
Comment: PVS1_very strong;PM2_supporting;PM6_moderate

GeneDx
Classification: Pathogenic. Last evaluated: 2024-03-03. Review status: criteria provided, single submitter. Criteria: GeneDx Variant Classification Process June 2021. Collection method: clinical testing. Allele origin: germline.
Comment: Nonsense variant predicted to result in protein truncation or nonsense mediated decay in a gene for which loss of function is a known mechanism of disease; Not observed at significant frequency in large population cohorts (gnomAD); Has not been previously published as pathogenic or benign to our knowledge

Ambry Genetics
Classification: Pathogenic for Inborn genetic diseases. Last evaluated: 2022-06-17. Review status: criteria provided, single submitter. Criteria: Ambry Variant Classification Scheme 2023. Collection method: clinical testing. Allele origin: germline.
Comment: The c.4384C>T (p.R1462*) alteration, located in exon 22 (coding exon 22) of the CHD8 gene, consists of a C to T substitution at nucleotide position 4384. This changes the amino acid from an arginine (R) to a stop codon at amino acid position 1462. This alteration is expected to result in loss of function by premature protein truncation or nonsense-mediated mRNA decay. This variant was not reported in population-based cohorts in the Genome Aggregation Database (gnomAD). Based on the available evidence, this alteration is classified as pathogenic.

NM_001170629.2(CHD8):c.4384C>T (p.Arg1462Ter)

Gene: CHD8 (chromodomain helicase DNA binding protein 8; minus strand). Cytogenetic location: 14q11.2.
Variant type: single nucleotide variant.
Coding change: c.4384C>T on transcript NM_001170629.2 (MANE Select); coding-DNA position 4384, C replaced by T.
Protein change: p.Arg1462Ter; replaces arginine 1462 with a stop codon.
Molecular consequence: nonsense.
Genome position (GRCh38, 1-based): chr14:21,400,599, G>A on the plus strand (C>T on the coding strand, the complement: CHD8 is on the minus strand). VCF-style: chr14-21400599-G-A. GRCh37 (hg19) VCF-style: chr14-21868758-G-A.
Other names: c.3547C>T, p.Arg1183Ter (NM_020920.4); short protein forms R1183*, R1462*.
Identifiers: ClinVar variation 1800961 (VCV001800961.6), dbSNP rs1555314400, ClinGen allele CA388894430.